The following is an entry in ClinVar:

NM_006329.4(FBLN5):c.502+15G>C

Gene: FBLN5 (fibulin 5; minus strand). Cytogenetic location: 14q32.12.
Variant type: single nucleotide variant.
Coding change: c.502+15G>C on transcript NM_006329.4 (MANE Select); 15 bases into the intron after coding-DNA position 502, G replaced by C.
Molecular consequence: intron variant.
Genome position (GRCh38, 1-based): chr14:91,894,935, C>G on the plus strand (G>C on the coding strand, the complement: FBLN5 is on the minus strand). VCF-style: chr14-91894935-C-G. GRCh37 (hg19) VCF-style: chr14-92361279-C-G.
Other names: c.502+15G>C (NM_001384160.1); c.625+15G>C (NM_001384158.1); c.334+15G>C (NM_001384162.1, NM_001384161.1); c.553+15G>C (NM_001384159.1).
Identifiers: ClinVar variation 314878 (VCV000314878.30), dbSNP rs190933127, ClinGen allele CA7312832.

ClinVar aggregate classification (germline): Benign/Likely benign. Review status: criteria provided, multiple submitters, no conflicts (2 of 4 stars). 9 submissions from 8 submitters: Benign (6); Likely benign (1). 2 of the submissions do not count toward it. Last evaluated 2026-02-02.

Conditions:
Cutis laxa. Identifiers: Orphanet 209, MedGen C0010495, MONDO:0016175, HP:0000973.
Macular degeneration, age-related, 3 (ARMD3). Identifiers: Orphanet 280598, MedGen C1837187, MONDO:0012145, OMIM 608895.

Allele frequency attached by ClinVar (database versions not stated): TOPMed 0.00305; ESP Exome Variant Server 0.00415; 1000 Genomes Project 30x 0.00453; gnomAD 0.00456; 1000 Genomes Project 0.00459.
gnomAD v4.1: 7,405 of 1,613,406 alleles (0.46%); highest among the groups gnomAD compares: South Asian, 0.88%; 40 homozygotes.

Submissions (9):

Labcorp Genetics (formerly Invitae), Labcorp
Classification: Benign. Last evaluated: 2026-02-02. Review status: criteria provided, single submitter. Criteria: Invitae Variant Classification Sherloc (09022015). Collection method: clinical testing. Allele origin: germline.

ARUP Laboratories, Molecular Genetics and Genomics, ARUP Laboratories
Classification: Benign. Last evaluated: 2025-07-09. Review status: criteria provided, single submitter. Criteria: ARUP Molecular Germline Variant Investigation Process 2024. Collection method: clinical testing. Allele origin: germline.

Blueprint Genetics
Classification: Likely benign. Last evaluated: 2024-11-27. Review status: criteria provided, single submitter. Criteria: ACMG Guidelines, 2015. Collection method: clinical testing. Allele origin: germline.

Illumina Laboratory Services, Illumina
Classification: Benign for Cutis laxa. Last evaluated: 2018-01-12. Review status: criteria provided, single submitter. Criteria: ICSL Variant Classification Criteria 13 December 2019. Collection method: clinical testing. Allele origin: germline.
Comment: This variant was observed in the ICSL laboratory as part of a predisposition screen in an ostensibly healthy population. It had not been previously curated by ICSL or reported in the Human Gene Mutation Database (HGMD: prior to June 1st, 2018), and was therefore a candidate for classification through an automated scoring system. Utilizing variant allele frequency, disease prevalence and penetrance estimates, and inheritance mode, an automated score was calculated to assess if this variant is too frequent to cause the disease. Based on the score and internal cut-off values, a variant classified as benign is not then subjected to further curation. The score for this variant resulted in a classification of benign for this disease.

Illumina Laboratory Services, Illumina
Classification: Benign for Macular degeneration, age-related, 3. Last evaluated: 2018-01-12. Review status: criteria provided, single submitter. Criteria: ICSL Variant Classification Criteria 13 December 2019. Collection method: clinical testing. Allele origin: germline.
Comment: the same text as in the submission from Illumina Laboratory Services, Illumina above.

GeneDx
Classification: Benign. Last evaluated: 2017-01-19. Review status: criteria provided, single submitter. Criteria: GeneDx Variant Classification (06012015). Collection method: clinical testing. Allele origin: germline. Affected: yes.
Comment: This variant is considered likely benign or benign based on one or more of the following criteria: it is a conservative change, it occurs at a poorly conserved position in the protein, it is predicted to be benign by multiple in silico algorithms, and/or has population frequency not consistent with disease.

Breakthrough Genomics
Classification: Benign. Review status: criteria provided, single submitter. Criteria: ACMG Guidelines, 2015. Collection method: not provided. Allele origin: germline. Inheritance: Autosomal recessive inheritance. Affected: yes.

Clinical Genetics, Academic Medical Center
Classification: Benign. Review status: no assertion criteria provided. Collection method: clinical testing. Allele origin: germline. Affected: yes. Study: VKGL Data-share Consensus. Not counted in ClinVar's aggregate classification.

Genome Diagnostics Laboratory, University Medical Center Utrecht
Classification: Benign. Review status: no assertion criteria provided. Collection method: clinical testing. Allele origin: germline. Affected: yes. Study: VKGL Data-share Consensus. Not counted in ClinVar's aggregate classification.